The following is an entry in ClinVar:

ClinVar aggregate classification (germline): Uncertain significance (1 of 4 stars; one submission).

Conditions:
Arrhythmogenic right ventricular dysplasia 11. Also called: Arrhythmogenic Right Ventricular Dysplasia/Cardiomyopathy11; ARRHYTHMOGENIC RIGHT VENTRICULAR DYSPLASIA, FAMILIAL, 11; Arrhythmogenic right ventricular dysplasia 11 with mild palmoplantar keratoderma and woolly hair. Identifiers: MedGen C1864850, MONDO:0012506, OMIM 610476.

Submission:

Labcorp Genetics (formerly Invitae), Labcorp
Classification: Uncertain significance for Arrhythmogenic right ventricular dysplasia 11. Last evaluated: 2022-08-13. Review status: criteria provided, single submitter. Criteria: Invitae Variant Classification Sherloc (09022015). Collection method: clinical testing. Allele origin: germline.
Comment: In summary, the available evidence is currently insufficient to determine the role of this variant in disease. Therefore, it has been classified as a Variant of Uncertain Significance. Algorithms developed to predict the effect of missense changes on protein structure and function are either unavailable or do not agree on the potential impact of this missense change (SIFT: "Deleterious"; PolyPhen-2: "Probably Damaging"; Align-GVGD: "Class C0"). This variant has not been reported in the literature in individuals affected with DSC2-related conditions. This variant is not present in population databases (gnomAD no frequency). This sequence change replaces valine, which is neutral and non-polar, with glycine, which is neutral and non-polar, at codon 869 of the DSC2 protein (p.Val869Gly).

NM_024422.6(DSC2):c.2606T>G (p.Val869Gly)

Gene: DSC2 (desmocollin 2; minus strand). Cytogenetic location: 18q12.1.
Variant type: single nucleotide variant.
Coding change: c.2606T>G on transcript NM_024422.6 (MANE Select); coding-DNA position 2606, T replaced by G.
Protein change: p.Val869Gly; replaces valine 869 with glycine.
Molecular consequence: missense variant. On other transcripts: 3 prime UTR variant (1).
Genome position (GRCh38, 1-based): chr18:31,068,115, A>C on the plus strand (T>G on the coding strand, the complement: DSC2 is on the minus strand). VCF-style: chr18-31068115-A-C. GRCh37 (hg19) VCF-style: chr18-28648081-A-C.
Other names: c.2177T>G, p.Val726Gly (NM_001406506.1); c.*108T>G (NM_001406507.1, NM_004949.5); short protein forms V869G, V726G.
Identifiers: ClinVar variation 1945273 (VCV001945273.3), dbSNP rs2510936667, ClinGen allele CA402110426.